The following is an entry in ClinVar:

NM_017534.6(MYH2):c.2956dup (p.Glu986fs)

Genes: MYH2 (myosin heavy chain 2; minus strand), MYHAS (myosin heavy chain gene cluster antisense RNA; plus strand). Cytogenetic location: 17p13.1.
Variant type: Duplication.
Coding change: c.2956dup on transcript NM_017534.6 (MANE Select); coding-DNA position 2956, one base duplicated (G; older notation c.2956dupG).
Protein change: p.Glu986fs; shifts the reading frame from glutamic acid 986.
Molecular consequence: frameshift variant.
Genome position (GRCh38, 1-based): chr17:10,529,725, C duplicated on the plus strand (G on the coding strand, the reverse complement: MYH2 is on the minus strand). VCF-style (leftmost placement, unchanged base first): chr17-10529724-T-TC. GRCh37 (hg19) VCF-style: chr17-10433041-T-TC.
Other names: c.2956dup, p.Glu986fs (NM_001100112.2); short protein forms E986fs.
Identifiers: ClinVar variation 2817017 (VCV002817017.3), dbSNP rs1372709572, ClinGen allele CA625066250.

ClinVar aggregate classification (germline): Pathogenic (1 of 4 stars; one submission).

Conditions:
Myopathy, proximal, and ophthalmoplegia (CMYO6). Also called: CONGENITAL MYOPATHY 6 WITH OPHTHALMOPLEGIA; MYOPATHY WITH CONGENITAL JOINT CONTRACTURES, OPHTHALMOPLEGIA, AND RIMMED VACUOLES; INCLUSION BODY MYOPATHY 3, AUTOSOMAL DOMINANT. Identifiers: Orphanet 363677, Orphanet 79091, MedGen C1854106, MONDO:0011577, OMIM 605637.

Submission:

Labcorp Genetics (formerly Invitae), Labcorp
Classification: Pathogenic for Myopathy, proximal, and ophthalmoplegia. Last evaluated: 2022-11-28. Review status: criteria provided, single submitter. Criteria: Invitae Variant Classification Sherloc (09022015). Collection method: clinical testing. Allele origin: germline.
Comment: This variant has not been reported in the literature in individuals affected with MYH2-related conditions. This variant is present in population databases (no rsID available, gnomAD 0.002%). This sequence change creates a premature translational stop signal (p.Glu986Glyfs*8) in the MYH2 gene. It is expected to result in an absent or disrupted protein product. Loss-of-function variants in MYH2 are known to be pathogenic (PMID: 20418530, 23388406, 24193343). For these reasons, this variant has been classified as Pathogenic.

Literature cited by the submitters: PubMed 20418530; PubMed 23388406; PubMed 24193343.